The following is an entry in ClinVar:

ClinVar aggregate classification (germline): Uncertain significance (1 of 4 stars; one submission).

Submission:

Labcorp Genetics (formerly Invitae), Labcorp
Classification: Uncertain significance. Last evaluated: 2022-09-18. Review status: criteria provided, single submitter. Criteria: Invitae Variant Classification Sherloc (09022015). Collection method: clinical testing. Allele origin: germline.
Comment: This variant is not present in population databases (gnomAD no frequency). This sequence change replaces glutamine, which is neutral and polar, with histidine, which is basic and polar, at codon 473 of the CFB protein (p.Gln473His). In summary, the available evidence is currently insufficient to determine the role of this variant in disease. Therefore, it has been classified as a Variant of Uncertain Significance. Advanced modeling of protein sequence and biophysical properties (such as structural, functional, and spatial information, amino acid conservation, physicochemical variation, residue mobility, and thermodynamic stability) performed at Invitae indicates that this missense variant is not expected to disrupt CFB protein function. This variant has not been reported in the literature in individuals affected with CFB-related conditions.

NM_001710.6(CFB):c.1419G>C (p.Gln473His)

Gene: CFB (complement factor B; plus strand). Cytogenetic location: 6p21.33.
Variant type: single nucleotide variant.
Coding change: c.1419G>C on transcript NM_001710.6 (MANE Select); coding-DNA position 1419, G replaced by C.
Protein change: p.Gln473His; replaces glutamine 473 with histidine.
Molecular consequence: missense variant.
Genome position (GRCh38, 1-based): chr6:31,950,060, G>C. VCF-style: chr6-31950060-G-C. GRCh37 (hg19) VCF-style: chr6-31917837-G-C.
Other names: short protein forms Q473H.
Identifiers: ClinVar variation 1719735 (VCV001719735.5), dbSNP rs2482701043, ClinGen allele CA363404678.
Genomic context (GRCh38, chr6:31,950,060, plus strand): 5'-TTTGGGAATGAAGTGTTCCGAGTTTTCAGCACATTCTCCTTCTCTGCCAGATGAAAGCCA[G>C]TCTCTGAGTCTCTGTGGCATGGTTTGGGAACACAGGAAGGGTACCGATTACCACAAGCAA-3'
Protein context (NP_001701.2, residues 463-483): DVFYQMIDES[Gln473His]SLSLCGMVWE